The following is an entry in ClinVar:

ClinVar aggregate classification (germline): Conflicting classifications of pathogenicity. Review status: criteria provided, conflicting classifications (1 of 4 stars). 3 submissions from 3 submitters: Uncertain significance (1); Benign (1); Likely benign (1). Last evaluated 2025-08-03.

Conditions:
Oculofaciocardiodental syndrome (MCOPS2). Identifiers: Orphanet 2712, MedGen C1846265, MONDO:0010261, OMIM 300166.

Allele frequency attached by ClinVar (database versions not stated): gnomAD exomes 0.00007; TOPMed 0.00008; ExAC 0.00010; gnomAD 0.00010 and 0.00012.

Submissions (3):

Labcorp Genetics (formerly Invitae), Labcorp
Classification: Benign for Oculofaciocardiodental syndrome. Last evaluated: 2025-08-03. Review status: criteria provided, single submitter. Criteria: Invitae Variant Classification Sherloc (09022015). Collection method: clinical testing. Allele origin: germline.

CeGaT Center for Human Genetics Tuebingen
Classification: Likely benign. Last evaluated: 2023-01-01. Review status: criteria provided, single submitter. Criteria: CeGaT Center For Human Genetics Tuebingen Variant Classification Criteria Version 2. Collection method: clinical testing. Allele origin: germline. Affected: yes. Observed: 1 variant allele.
Comment: BCOR: BP4, BP7, BS2

Eurofins Ntd Llc (ga)
Classification: Uncertain significance. Last evaluated: 2014-11-21. Review status: criteria provided, single submitter. Criteria: EGL Classification Definitions 2015. Collection method: clinical testing. Allele origin: germline. Observed: 1 variant allele, 1 hemizygote.

NM_001123385.2(BCOR):c.837C>T (p.Leu279=)

Genes: BCOR (BCL6 corepressor; minus strand), LOC126863239 (MED14-independent group 3 enhancer GRCh37_chrX:39932994-39934193; plus strand). Cytogenetic location: Xp11.4.
Variant type: single nucleotide variant.
Coding change: c.837C>T on transcript NM_001123385.2 (MANE Select); coding-DNA position 837, C replaced by T.
Protein change: p.Leu279=; no amino-acid change (leucine 279 retained).
Molecular consequence: synonymous variant.
Genome position (GRCh38, 1-based): chrX:40,074,509, G>A on the plus strand (C>T on the coding strand, the complement: BCOR is on the minus strand). VCF-style: chrX-40074509-G-A. GRCh37 (hg19) VCF-style: chrX-39933762-G-A.
Other names: c.837C>T, p.Leu279= (NM_001123383.2, NM_001123384.2, NM_017745.6).
Identifiers: ClinVar variation 197312 (VCV000197312.40), dbSNP rs753531268, ClinGen allele CA245366.